The following is an entry in ClinVar:

NM_004004.6(GJB2):c.175G>C (p.Gly59Arg)

Gene: GJB2 (gap junction protein beta 2; minus strand). Cytogenetic location: 13q12.11.
Variant type: single nucleotide variant.
Coding change: c.175G>C on transcript NM_004004.6 (MANE Select); coding-DNA position 175, G replaced by C.
Protein change: p.Gly59Arg; replaces glycine 59 with arginine.
Molecular consequence: missense variant.
Genome position (GRCh38, 1-based): chr13:20,189,407, C>G on the plus strand (G>C on the coding strand, the complement: GJB2 is on the minus strand). VCF-style: chr13-20189407-C-G. GRCh37 (hg19) VCF-style: chr13-20763546-C-G.
Other names: short protein forms G59R.
Identifiers: ClinVar variation 496215 (VCV000496215.2), dbSNP rs104894410, ClinGen allele CA387461703.
Genomic context (GRCh38, chr13:20,189,407, plus strand): 5'-GGGCCCATAGCCGGATGTGGGAGATGGGGAAGTAGTGATCGTAGCACACGTTCTTGCAGC[C>G]TGGCTGCAGGGTGTTGCAGACAAAGTCGGCCTGCTCATCTCCCCACACCTCCTTTGCAGC-3'
Protein context (NP_003995.2, residues 49-69): ADFVCNTLQP[Gly59Arg]CKNVCYDHYF

ClinVar aggregate classification (germline): Pathogenic/Likely pathogenic. Review status: criteria provided, multiple submitters, no conflicts (2 of 4 stars). 2 submissions from 2 submitters: Pathogenic (1); Likely pathogenic (1). Last evaluated 2025-07-16.

Conditions:
Autosomal recessive nonsyndromic hearing loss 1A (DFNB1A). Also called: GJB6-Related DFNB 1 Nonsyndromic Hearing Loss and Deafness; Deafness, autosomal recessive 1A; Nonsyndromic Hearing Loss and Deafness, DFNB1; GJB2-Related Autosomal Recessive Nonsyndromic Hearing Loss; Connexin 26 deafness; Deafness nonsyndromic, Connexin 26 linked. Identifiers: Orphanet 90636, MedGen C2673759, MONDO:0009076, OMIM 220290.
Palmoplantar keratoderma-deafness syndrome. Also called: Keratoderma palmoplantar, with deafness; Palmoplantar keratoderma and sensorineural deafness; Hereditary palmoplantar keratoderma with deafness (subtype); Focal palmoplantar keratoderma with sensorineural deafness (subtype); Diffuse palmoplantar keratoderma with deafness (subtype). Identifiers: Orphanet 2202, MedGen C1835672, MONDO:0007852, OMIM 148350.

Submissions (2):

Natera, Inc.
Classification: Likely pathogenic for Autosomal recessive deafness type 1A. Last evaluated: 2025-07-16. Review status: criteria provided, single submitter. Criteria: Natera Variant Classification Schema (03/2026). Collection method: clinical testing. Allele origin: germline.
Comment: The c.175G>C variant in GJB2 is a missense variant predicted to cause substitution of glycine to arginine at amino acid 59. This variant is rare in the general population with a frequency below the threshold expected for the associated phenotype(s). This variant has been confirmed as or assumed to be a de novo occurrence in one or more affected individuals (PMID: 15635064). Computational prediction algorithms indicate this variant is likely to affect gene or protein function. Given the available evidence, this variant is classified as Likely Pathogenic.

Women's Health and Genetics/Laboratory Corporation of America, LabCorp
Classification: Pathogenic for Palmoplantar keratoderma-deafness syndrome. Last evaluated: 2017-07-11. Review status: criteria provided, single submitter. Criteria: LabCorp Variant Classification Summary - May 2015. Collection method: clinical testing. Allele origin: germline.
Comment: Variant summary: The GJB2 c.175G>C (p.Gly59Arg) variant involves the alteration of a conserved nucleotide and is located in N-terminal region of the protein (InterPro). 4/4 in silico tools predict a damaging outcome for this variant (PP3). This variant is absent in 121328 control chromosomes from ExAC (PM2). This variant has been reported in at least one patient with autosomal dominant palmoplanter keratoderma with deafness (Leonard_2005), and this variant as a confirmed de novo mutation with confirmed parentage (PS2). Other missense variants at this residue (namely p.Gly59Asp, p.Gly59Ala and p.Gly59Ser) have also been reported in association with autosomal dominant form of hearing loss with variable phenotypic expressivity (PM1, PM5). Multiple databases concluded its pathogenicity as pathogenic (PP5). Taken together, according to ACMG guideline, this variant is classified as pathogenic.

Literature cited by the submitters: PubMed 15635064 (cited by Natera, Inc.); PubMed 17666888 (cited by Women's Health and Genetics/Laboratory Corporation of America, LabCorp).